The following is an entry in ClinVar:

ClinVar aggregate classification (germline): Pathogenic (1 of 4 stars; one submission).

Conditions:
Nemaline myopathy 2 (NEM2). Also called: Nemaline myopathy 2, autosomal recessive. Identifiers: MedGen C1850569, MONDO:0009725, OMIM 256030.

Submission:

Myriad Genetics, Inc.
Classification: Pathogenic for Nemaline myopathy 2. Last evaluated: 2025-06-26. Review status: criteria provided, single submitter. Criteria: Myriad Autosomal Dominant, Autosomal Recessive and X-Linked Classification Criteria (2023). Collection method: clinical testing. Allele origin: unknown.
Comment: NM_001271208.1(NEB):c.1203C>A(Y401*) is expected to be pathogenic in the context of NEB-related nemaline myopathy. This variant is predicted to lead to an abnormal or absent protein product due to the creation of a premature termination codon in NEB, a gene where loss-of-function variants are known to be pathogenic. Please note: this variant was assessed in the context of healthy population screening.

NM_001164508.2(NEB):c.1203C>A (p.Tyr401Ter)

Gene: NEB (nebulin; minus strand). Cytogenetic location: 2q23.3.
Variant type: single nucleotide variant.
Coding change: c.1203C>A on transcript NM_001164508.2 (MANE Select); coding-DNA position 1203, C replaced by A.
Protein change: p.Tyr401Ter; replaces tyrosine 401 with a stop codon.
Molecular consequence: nonsense.
Genome position (GRCh38, 1-based): chr2:151,697,598, G>T on the plus strand (C>A on the coding strand, the complement: NEB is on the minus strand). VCF-style: chr2-151697598-G-T. GRCh37 (hg19) VCF-style: chr2-152554112-G-T.
Other names: c.1203C>A, p.Tyr401Ter (NM_001164507.2, NM_001271208.2, NM_004543.5); short protein forms Y401*.
Identifiers: ClinVar variation 5014646 (VCV005014646.1).
Genomic context (GRCh38, chr2:151,697,598, plus strand): 5'-GCTTACATCACTACTGAAGTTCTGCAGAACAGTATCGAGCTTGAATTTGGGGGTCTCGCA[G>T]TAATTTATGCTCTTTGCTTTTGTCTTTTCATAGTTTTCCTTGTATAGTTTCTGTCAAAGA-3'